The following is an entry in ClinVar:

NM_015459.5(ATL3):c.1526A>C (p.Tyr509Ser)

Genes: ATL3 (atlastin GTPase 3; minus strand), LNCROPM (lncRNA regulator of PLAAT3 mediated phospholipid metabolism; plus strand). Cytogenetic location: 11q13.1.
Variant type: single nucleotide variant.
Coding change: c.1526A>C on transcript NM_015459.5 (MANE Select); coding-DNA position 1526, A replaced by C.
Protein change: p.Tyr509Ser; replaces tyrosine 509 with serine.
Molecular consequence: missense variant.
Genome position (GRCh38, 1-based): chr11:63,631,053, T>G on the plus strand (A>C on the coding strand, the complement: ATL3 is on the minus strand). VCF-style: chr11-63631053-T-G. GRCh37 (hg19) VCF-style: chr11-63398525-T-G.
Other names: c.1526A>C (NM_015459.4); c.1472A>C, p.Tyr491Ser (NM_001290048.2); short protein forms Y491S, Y509S.
Identifiers: ClinVar variation 2915248 (VCV002915248.4), dbSNP rs1028638609, ClinGen allele CA223740816.

ClinVar aggregate classification (germline): Uncertain significance. Review status: criteria provided, multiple submitters, no conflicts (2 of 4 stars). 2 submissions from 2 submitters: Uncertain significance (2). Last evaluated 2025-02-27.

Conditions:
Neuropathy, hereditary sensory, type 1F. Also called: Hereditary sensory neuropathy type IF; HSN IF. Identifiers: Orphanet 36386, MedGen C3810194, MONDO:0014286, OMIM 615632.

gnomAD v4.1: 3 of 1,611,560 alleles (0.00019%); highest among the groups gnomAD compares: Non-Finnish European, 0.00025%; no homozygotes.

Submissions (2):

GeneDx
Classification: Uncertain significance. Last evaluated: 2025-02-27. Review status: criteria provided, single submitter. Criteria: GeneDx Variant Classification Process June 2021. Collection method: clinical testing. Allele origin: germline. Affected: yes.
Comment: Not observed at significant frequency in large population cohorts (gnomAD); In silico analysis indicates that this missense variant does not alter protein structure/function; Has not been previously published as pathogenic or benign to our knowledge

Labcorp Genetics (formerly Invitae), Labcorp
Classification: Uncertain significance for Neuropathy, hereditary sensory, type 1F. Last evaluated: 2023-07-31. Review status: criteria provided, single submitter. Criteria: Invitae Variant Classification Sherloc (09022015). Collection method: clinical testing. Allele origin: germline.
Comment: In summary, the available evidence is currently insufficient to determine the role of this variant in disease. Therefore, it has been classified as a Variant of Uncertain Significance. Advanced modeling of protein sequence and biophysical properties (such as structural, functional, and spatial information, amino acid conservation, physicochemical variation, residue mobility, and thermodynamic stability) performed at Invitae indicates that this missense variant is not expected to disrupt ATL3 protein function. This variant has not been reported in the literature in individuals affected with ATL3-related conditions. This variant is present in population databases (no rsID available, gnomAD 0.0009%). This sequence change replaces tyrosine, which is neutral and polar, with serine, which is neutral and polar, at codon 509 of the ATL3 protein (p.Tyr509Ser).